The following is an entry in ClinVar:

NM_206933.4(USH2A):c.13424G>T (p.Arg4475Ile)

Gene: USH2A (usherin; minus strand). Cytogenetic location: 1q41.
Variant type: single nucleotide variant.
Coding change: c.13424G>T on transcript NM_206933.4 (MANE Select); coding-DNA position 13424, G replaced by T.
Protein change: p.Arg4475Ile; replaces arginine 4475 with isoleucine.
Molecular consequence: missense variant.
Genome position (GRCh38, 1-based): chr1:215,674,487, C>A on the plus strand (G>T on the coding strand, the complement: USH2A is on the minus strand). VCF-style: chr1-215674487-C-A. GRCh37 (hg19) VCF-style: chr1-215847829-C-A.
Other names: short protein forms R4475I.
Identifiers: ClinVar variation 1058250 (VCV001058250.6), dbSNP rs766291467, ClinGen allele CA1393292.

ClinVar aggregate classification (germline): Uncertain significance (1 of 4 stars; one submission).

Allele frequency attached by ClinVar (database versions not stated): gnomAD exomes below 0.00001; ExAC 0.00001.
gnomAD v4.1: 1 of 1,614,188 alleles (0.000062%); highest among the groups gnomAD compares: Non-Finnish European, 0.000085%; no homozygotes.

Submission:

Labcorp Genetics (formerly Invitae), Labcorp
Classification: Uncertain significance. Last evaluated: 2021-09-01. Review status: criteria provided, single submitter. Criteria: Invitae Variant Classification Sherloc (09022015). Collection method: clinical testing. Allele origin: germline.
Comment: This sequence change replaces arginine with isoleucine at codon 4475 of the USH2A protein (p.Arg4475Ile). The arginine residue is highly conserved and there is a moderate physicochemical difference between arginine and isoleucine. This variant is present in population databases (rs766291467, ExAC 0.002%). This variant has not been reported in the literature in individuals affected with USH2A-related conditions. Algorithms developed to predict the effect of missense changes on protein structure and function are either unavailable or do not agree on the potential impact of this missense change (SIFT: "Deleterious"; PolyPhen-2: "Benign"; Align-GVGD: "Class C15"). In summary, the available evidence is currently insufficient to determine the role of this variant in disease. Therefore, it has been classified as a Variant of Uncertain Significance.